The following is an entry in ClinVar:

NM_001110556.2(FLNA):c.5150C>T (p.Pro1717Leu)

Gene: FLNA (filamin A; minus strand). Cytogenetic location: Xq28.
Variant type: single nucleotide variant.
Coding change: c.5150C>T on transcript NM_001110556.2 (MANE Select); coding-DNA position 5150, C replaced by T.
Protein change: p.Pro1717Leu; replaces proline 1717 with leucine.
Molecular consequence: missense variant.
Genome position (GRCh38, 1-based): chrX:154,354,892, G>A on the plus strand (C>T on the coding strand, the complement: FLNA is on the minus strand). VCF-style: chrX-154354892-G-A. GRCh37 (hg19) VCF-style: chrX-153583260-G-A.
Other names: c.5126C>T (NM_001456.3); c.5126C>T, p.Pro1709Leu (NM_001456.4); short protein forms P1709L, P1717L.
Identifiers: ClinVar variation 2086938 (VCV002086938.7), dbSNP rs1557176607, ClinGen allele CA415207548.
Genomic context (GRCh38, chrX:154,354,892, plus strand): 5'-TGGAAGGGGCTGTTGGGCACGTGCTCGCCACCAAAGCGCACACAGATGACGTATTTGCCC[G>A]GCTGGGGGGCCGTGTAGAAGATGTCGAAAGTGCCGTCCTCATTCTCCACCACGTCCACAT-3'
Protein context (NP_001104026.1, residues 1707-1727): TFDIFYTAPQ[Pro1717Leu]GKYVICVRFG

ClinVar aggregate classification (germline): Conflicting classifications of pathogenicity. Review status: criteria provided, conflicting classifications (1 of 4 stars). 3 submissions from 3 submitters: Uncertain significance (2); Likely benign (1). Last evaluated 2026-04-04.

Conditions:
Familial thoracic aortic aneurysm and aortic dissection (TAAD). Also called: Thoracic aortic aneurysms and dissections. Identifiers: Orphanet 91387, MedGen C4707243, MONDO:0019625.
Melnick-Needles syndrome (MNS). Also called: OSTEODYSPLASTY OF MELNICK AND NEEDLES; Melnick-Needles Syndrome (FLNA-MNS); MELNICK-NEEDLES OSTEODYSPLASTY. Identifiers: Orphanet 2484, MedGen C0025237, MONDO:0010650, OMIM 309350.
Frontometaphyseal dysplasia (FMD1). Identifiers: Orphanet 1826, MedGen C0265293, MONDO:0015942.
Oto-palato-digital syndrome, type II (OPD2). Also called: OPD II SYNDROME; Otopalatodigital Syndrome, Type II; Otopalatodigital Syndrome Type 2 (FLNA-OPD2); FACIOPALATOOSSEOUS SYNDROME. Identifiers: Orphanet 669, Orphanet 90652, MedGen C1844696, MONDO:0010571, OMIM 304120.
Heterotopia, periventricular, X-linked dominant (PVNH1). Also called: PERIVENTRICULAR NODULAR HETEROTOPIA 1; X-linked periventricular heterotopia; PERIVENTRICULAR NODULAR HETEROTOPIA 4; HETEROTOPIA, PERIVENTRICULAR, 1. Identifiers: Orphanet 2149, Orphanet 82004, MedGen C1848213, MONDO:0010233, OMIM 300049.

gnomAD v4.1: 8 of 1,212,018 alleles (0.00066%); highest among the groups gnomAD compares: Non-Finnish European, 0.00078%; no homozygotes.

Submissions (3):

Ambry Genetics
Classification: Uncertain significance for Familial thoracic aortic aneurysm and aortic dissection. Last evaluated: 2026-04-04. Review status: criteria provided, single submitter. Criteria: Ambry Variant Classification Scheme 2023. Collection method: clinical testing. Allele origin: germline.
Comment: The p.P1709L variant (also known as c.5126C>T), located in coding exon 29 of the FLNA gene, results from a C to T substitution at nucleotide position 5126. The proline at codon 1709 is replaced by leucine, an amino acid with similar properties. This amino acid position is conserved. In addition, this alteration is predicted to be deleterious by in silico analysis. Based on the available evidence, the clinical significance of this variant remains unclear.

GeneDx
Classification: Uncertain significance. Last evaluated: 2024-06-25. Review status: criteria provided, single submitter. Criteria: GeneDx Variant Classification Process June 2021. Collection method: clinical testing. Allele origin: germline. Affected: yes.
Comment: Has not been previously published as pathogenic or benign to our knowledge; Not observed at significant frequency in large population cohorts (gnomAD); In silico analysis supports that this missense variant has a deleterious effect on protein structure/function

Labcorp Genetics (formerly Invitae), Labcorp
Classification: Likely benign for Oto-palato-digital syndrome, type II; Heterotopia, periventricular, X-linked dominant; Frontometaphyseal dysplasia; Melnick-Needles syndrome. Last evaluated: 2022-09-06. Review status: criteria provided, single submitter. Criteria: Invitae Variant Classification Sherloc (09022015). Collection method: clinical testing. Allele origin: germline.